The following is an entry in ClinVar:

NM_001199107.2(TBC1D24):c.791G>A (p.Ser264Asn)

Gene: TBC1D24 (TBC1 domain family member 24; plus strand). Cytogenetic location: 16p13.3.
Variant type: single nucleotide variant.
Coding change: c.791G>A on transcript NM_001199107.2 (MANE Select); coding-DNA position 791, G replaced by A.
Protein change: p.Ser264Asn; replaces serine 264 with asparagine.
Molecular consequence: missense variant.
Genome position (GRCh38, 1-based): chr16:2,496,939, G>A. VCF-style: chr16-2496939-G-A. GRCh37 (hg19) VCF-style: chr16-2546940-G-A.
Other names: c.791G>A, p.Ser264Asn (NM_020705.3); short protein forms S264N.
Identifiers: ClinVar variation 2946966 (VCV002946966.3), dbSNP rs2505516169, ClinGen allele CA394377339.

ClinVar aggregate classification (germline): Uncertain significance (1 of 4 stars; one submission).

Conditions:
Autosomal dominant nonsyndromic hearing loss 65. Also called: Deafness, autosomal dominant 65; TBC1D24-Related Autosomal Dominant Nonsyndromic Hearing Loss (DFNA). Identifiers: Orphanet 90635, MedGen C3892048, MONDO:0014470, OMIM 616044.
Developmental and epileptic encephalopathy, 1 (DEE1). Also called: INFANTILE SPASM SYNDROME, X-LINKED 1; X-linked infantile spasms; West's syndrome; Tonic spasms with clustering, arrest of psychomotor development and hypsarrhythmia on EEG; X-Linked Infantile Spasm Syndrome; OHTAHARA SYNDROME, X-LINKED. Identifiers: MedGen C3463992, MONDO:0010632, OMIM 308350. Disease mechanism: loss of function.

Submission:

Labcorp Genetics (formerly Invitae), Labcorp
Classification: Uncertain significance for Developmental and epileptic encephalopathy, 1; Autosomal dominant nonsyndromic hearing loss 65. Last evaluated: 2023-07-25. Review status: criteria provided, single submitter. Criteria: Invitae Variant Classification Sherloc (09022015). Collection method: clinical testing. Allele origin: germline.
Comment: This sequence change replaces serine, which is neutral and polar, with asparagine, which is neutral and polar, at codon 264 of the TBC1D24 protein (p.Ser264Asn). This variant is not present in population databases (gnomAD no frequency). This variant has not been reported in the literature in individuals affected with TBC1D24-related conditions. Advanced modeling of protein sequence and biophysical properties (such as structural, functional, and spatial information, amino acid conservation, physicochemical variation, residue mobility, and thermodynamic stability) performed at Invitae indicates that this missense variant is not expected to disrupt TBC1D24 protein function. In summary, the available evidence is currently insufficient to determine the role of this variant in disease. Therefore, it has been classified as a Variant of Uncertain Significance.